The following is an entry in ClinVar:

ClinVar aggregate classification (germline): Conflicting classifications of pathogenicity. Review status: criteria provided, conflicting classifications (1 of 4 stars). 2 submissions from 2 submitters: Uncertain significance (1); Likely benign (1). Last evaluated 2026-01-06.

Conditions:
Inborn genetic diseases. Identifiers: MedGen C0950123, MeSH D030342.

Allele frequency attached by ClinVar (database versions not stated): gnomAD 0.00013 and 0.00014; ESP Exome Variant Server 0.00015; 1000 Genomes Project 30x 0.00016; 1000 Genomes Project 0.00020.
gnomAD v4.1: 57 of 1,613,904 alleles (0.0035%); highest among the groups gnomAD compares: African/African-American, 0.044%; no homozygotes.

Submissions (2):

Labcorp Genetics (formerly Invitae), Labcorp
Classification: Uncertain significance. Last evaluated: 2026-01-06. Review status: criteria provided, single submitter. Criteria: Invitae Variant Classification Sherloc (09022015). Collection method: clinical testing. Allele origin: germline.
Comment: This sequence change replaces valine, which is neutral and non-polar, with methionine, which is neutral and non-polar, at codon 309 of the CDH2 protein (p.Val309Met). This variant is present in population databases (rs146668864, gnomAD 0.07%), and has an allele count higher than expected for a pathogenic variant. This variant has not been reported in the literature in individuals affected with CDH2-related conditions. ClinVar contains an entry for this variant (Variation ID: 1412079). An algorithm developed to predict the effect of missense changes on protein structure and function (PolyPhen-2) suggests that this variant is likely to be tolerated. In summary, the available evidence is currently insufficient to determine the role of this variant in disease. Therefore, it has been classified as a Variant of Uncertain Significance.

Ambry Genetics
Classification: Likely benign for Inborn genetic diseases. Last evaluated: 2021-10-21. Review status: criteria provided, single submitter. Criteria: Ambry Variant Classification Scheme 2023. Collection method: clinical testing. Allele origin: germline.

NM_001792.5(CDH2):c.925G>A (p.Val309Met)

Gene: CDH2 (cadherin 2; minus strand). Cytogenetic location: 18q12.1.
Variant type: single nucleotide variant.
Coding change: c.925G>A on transcript NM_001792.5 (MANE Select); coding-DNA position 925, G replaced by A.
Protein change: p.Val309Met; replaces valine 309 with methionine.
Molecular consequence: missense variant.
Genome position (GRCh38, 1-based): chr18:28,003,092, C>T on the plus strand (G>A on the coding strand, the complement: CDH2 is on the minus strand). VCF-style: chr18-28003092-C-T. GRCh37 (hg19) VCF-style: chr18-25583056-C-T.
Other names: c.832G>A, p.Val278Met (NM_001308176.2); short protein forms V278M, V309M.
Identifiers: ClinVar variation 1412079 (VCV001412079.8), dbSNP rs146668864, ClinGen allele CA8923566.